The following is an entry in ClinVar:

NM_001563.4(IMPG1):c.1152G>A (p.Leu384=)

Gene: IMPG1 (interphotoreceptor matrix proteoglycan 1; minus strand). Cytogenetic location: 6q14.1.
Variant type: single nucleotide variant.
Coding change: c.1152G>A on transcript NM_001563.4 (MANE Select); coding-DNA position 1152, G replaced by A.
Protein change: p.Leu384=; no amino-acid change (leucine 384 retained).
Molecular consequence: synonymous variant.
Genome position (GRCh38, 1-based): chr6:76,003,934, C>T on the plus strand (G>A on the coding strand, the complement: IMPG1 is on the minus strand). VCF-style: chr6-76003934-C-T. GRCh37 (hg19) VCF-style: chr6-76713651-C-T.
Other names: c.1152G>A (NM_001563.3); c.918G>A, p.Leu306= (NM_001282368.2).
Identifiers: ClinVar variation 2980357 (VCV002980357.4), dbSNP rs753153025, ClinGen allele CA141082554.

ClinVar aggregate classification (germline): Likely benign. Review status: criteria provided, multiple submitters, no conflicts (2 of 4 stars). 2 submissions from 2 submitters: Likely benign (2). Last evaluated 2025-01-02.

Conditions:
IMPG1-related disorder. Also called: IMPG1-related condition.

Allele frequency attached by ClinVar (database versions not stated): gnomAD exomes 0.00002; TOPMed 0.00002.
gnomAD v4.1: 32 of 1,612,188 alleles (0.002%); highest among the groups gnomAD compares: Non-Finnish European, 0.0026%; no homozygotes.

Submissions (2):

PreventionGenetics, part of Exact Sciences
Classification: Likely benign for IMPG1-related condition. Last evaluated: 2025-01-02. Review status: criteria provided, single submitter. Criteria: ACMG Guidelines, 2015. Collection method: clinical testing. Allele origin: germline.
Comment: This variant is classified as likely benign based on ACMG/AMP sequence variant interpretation guidelines (Richards et al. 2015 PMID: 25741868, with internal and published modifications).

Labcorp Genetics (formerly Invitae), Labcorp
Classification: Likely benign. Last evaluated: 2023-04-10. Review status: criteria provided, single submitter. Criteria: Invitae Variant Classification Sherloc (09022015). Collection method: clinical testing. Allele origin: germline.